The following is an entry in ClinVar:

ClinVar aggregate classification (germline): Uncertain significance. Review status: criteria provided, multiple submitters, no conflicts (2 of 4 stars). 3 submissions from 3 submitters: Uncertain significance (3). Last evaluated 2025-12-15.

Conditions:
Cardiovascular phenotype. Identifiers: MedGen CN230736.

Allele frequency attached by ClinVar (database versions not stated): TOPMed 0.00002; gnomAD exomes 0.00003.
gnomAD v4.1: 22 of 1,550,090 alleles (0.0014%); highest among the groups gnomAD compares: Middle Eastern, 0.017%; no homozygotes.

Submissions (3):

Women's Health and Genetics/Laboratory Corporation of America, LabCorp
Classification: Uncertain significance. Last evaluated: 2025-12-15. Review status: criteria provided, single submitter. Criteria: LabCorp Variant Classification Summary - May 2015. Collection method: clinical testing. Allele origin: germline.
Comment: Variant summary: ZNF469 c.3677A>T (p.Lys1226Met) results in a non-conservative amino acid change in the encoded protein sequence. Algorithms developed to predict the effect of missense changes on protein structure and function are either unavailable or do not agree on the potential impact of this missense change. The variant allele was found at a frequency of 2.6e-05 in 153518 control chromosomes. The available data on variant occurrences in the general population are insufficient to allow any conclusion about variant significance. To our knowledge, no occurrence of c.3677A>T in individuals affected with ZNF469-related conditions and no experimental evidence demonstrating its impact on protein function have been reported. ClinVar contains an entry for this variant (Variation ID: 1500431). Based on the evidence outlined above, the variant was classified as uncertain significance.

Ambry Genetics
Classification: Uncertain significance for Cardiovascular phenotype. Last evaluated: 2025-05-03. Review status: criteria provided, single submitter. Criteria: Ambry Variant Classification Scheme 2023. Collection method: clinical testing. Allele origin: germline.
Comment: The p.K1198M variant (also known as c.3593A>T), located in coding exon 2 of the ZNF469 gene, results from an A to T substitution at nucleotide position 3593. The lysine at codon 1198 is replaced by methionine, an amino acid with similar properties. This amino acid position is conserved. In addition, this alteration is predicted to be tolerated by in silico analysis. Based on the available evidence, the clinical significance of this variant remains unclear.

Labcorp Genetics (formerly Invitae), Labcorp
Classification: Uncertain significance. Last evaluated: 2022-05-09. Review status: criteria provided, single submitter. Criteria: Invitae Variant Classification Sherloc (09022015). Collection method: clinical testing. Allele origin: germline.
Comment: This sequence change replaces lysine, which is basic and polar, with methionine, which is neutral and non-polar, at codon 1198 of the ZNF469 protein (p.Lys1198Met). This variant is present in population databases (no rsID available, gnomAD 0.004%). This variant has not been reported in the literature in individuals affected with ZNF469-related conditions. Algorithms developed to predict the effect of missense changes on protein structure and function are either unavailable or do not agree on the potential impact of this missense change (SIFT: "Deleterious"; PolyPhen-2: "Possibly Damaging"; Align-GVGD: "Class C0"). In summary, the available evidence is currently insufficient to determine the role of this variant in disease. Therefore, it has been classified as a Variant of Uncertain Significance.

NM_001367624.2(ZNF469):c.3677A>T (p.Lys1226Met)

Gene: ZNF469 (zinc finger protein 469; plus strand). Cytogenetic location: 16q24.2.
Variant type: single nucleotide variant.
Coding change: c.3677A>T on transcript NM_001367624.2 (MANE Select); coding-DNA position 3677, A replaced by T.
Protein change: p.Lys1226Met; replaces lysine 1226 with methionine.
Molecular consequence: missense variant.
Genome position (GRCh38, 1-based): chr16:88,431,147, A>T. VCF-style: chr16-88431147-A-T. GRCh37 (hg19) VCF-style: chr16-88497555-A-T.
Other names: NM_001127464.1:c.3593A>T; short protein forms K1226M.
Identifiers: ClinVar variation 1500431 (VCV001500431.7), dbSNP rs1008306980, ClinGen allele CA286375130.
Genomic context (GRCh38, chr16:88,431,147, plus strand): 5'-CCACCAACACCGAGACCTCAGAGGAAACCCGCCCGTCGCTGGACTTTCCCCAGGAGGCCA[A>T]GGAGCCTGAAACTGCCGAAGAGTCAGCCCCGGACAGCACAGAATTCACAGAGGCTTTGCG-3'
Protein context (NP_001354553.1, residues 1216-1236): RPSLDFPQEA[Lys1226Met]EPETAEESAP